The following is an entry in ClinVar:

NM_006231.4(POLE):c.3050T>C (p.Leu1017Pro)

Gene: POLE (DNA polymerase epsilon, catalytic subunit; minus strand). Cytogenetic location: 12q24.33.
Variant type: single nucleotide variant.
Coding change: c.3050T>C on transcript NM_006231.4 (MANE Select); coding-DNA position 3050, T replaced by C.
Protein change: p.Leu1017Pro; replaces leucine 1017 with proline.
Molecular consequence: missense variant.
Genome position (GRCh38, 1-based): chr12:132,660,979, A>G on the plus strand (T>C on the coding strand, the complement: POLE is on the minus strand). VCF-style: chr12-132660979-A-G. GRCh37 (hg19) VCF-style: chr12-133237565-A-G.
Other names: short protein forms L1017P.
Identifiers: ClinVar variation 3624907 (VCV003624907.2).

ClinVar aggregate classification (germline): Uncertain significance (1 of 4 stars; one submission).

Submission:

Labcorp Genetics (formerly Invitae), Labcorp
Classification: Uncertain significance. Last evaluated: 2024-08-27. Review status: criteria provided, single submitter. Criteria: Invitae Variant Classification Sherloc (09022015). Collection method: clinical testing. Allele origin: germline.
Comment: This sequence change replaces leucine, which is neutral and non-polar, with proline, which is neutral and non-polar, at codon 1017 of the POLE protein (p.Leu1017Pro). This variant is not present in population databases (gnomAD no frequency). This variant has not been reported in the literature in individuals affected with POLE-related conditions. Invitae Evidence Modeling of protein sequence and biophysical properties (such as structural, functional, and spatial information, amino acid conservation, physicochemical variation, residue mobility, and thermodynamic stability) indicates that this missense variant is expected to disrupt POLE protein function with a positive predictive value of 80%. In summary, the available evidence is currently insufficient to determine the role of this variant in disease. Therefore, it has been classified as a Variant of Uncertain Significance.